The following is an entry in ClinVar:

NM_006939.4(SOS2):c.3076-25C>T

Gene: SOS2 (SOS Ras/Rho guanine nucleotide exchange factor 2; minus strand). Cytogenetic location: 14q21.3.
Variant type: single nucleotide variant.
Coding change: c.3076-25C>T on transcript NM_006939.4 (MANE Select); 25 bases into the intron before coding-DNA position 3076, C replaced by T.
Molecular consequence: intron variant.
Genome position (GRCh38, 1-based): chr14:50,130,787, G>A on the plus strand (C>T on the coding strand, the complement: SOS2 is on the minus strand). VCF-style: chr14-50130787-G-A. GRCh37 (hg19) VCF-style: chr14-50597505-G-A.
Identifiers: ClinVar variation 561654 (VCV000561654.2), dbSNP rs74049156, ClinGen allele CA7176876.

ClinVar aggregate classification (germline): Likely benign. Review status: criteria provided, multiple submitters, no conflicts (2 of 4 stars). 2 submissions from 2 submitters: Likely benign (2). Last evaluated 2018-06-14.

Allele frequency attached by ClinVar (database versions not stated): gnomAD exomes 0.00106 and 0.00329; ExAC 0.00404; gnomAD 0.01103 and 0.01186; TOPMed 0.01292; 1000 Genomes Project 0.01338; ESP Exome Variant Server 0.01392; 1000 Genomes Project 30x 0.01437.

Submissions (2):

GeneDx
Classification: Likely benign. Last evaluated: 2018-06-14. Review status: criteria provided, single submitter. Criteria: GeneDx Variant Classification (06012015). Collection method: clinical testing. Allele origin: germline. Affected: yes.
Comment: This variant is considered likely benign or benign based on one or more of the following criteria: it is a conservative change, it occurs at a poorly conserved position in the protein, it is predicted to be benign by multiple in silico algorithms, and/or has population frequency not consistent with disease.

Breakthrough Genomics
Classification: Likely benign. Review status: criteria provided, single submitter. Criteria: ACMG Guidelines, 2015. Collection method: not provided. Allele origin: germline. Inheritance: Autosomal dominant inheritance. Affected: yes.